The following is an entry in ClinVar:

NM_001184.4(ATR):c.6553-21_6553-2dup

Gene: ATR (ATR checkpoint kinase; minus strand). Cytogenetic location: 3q23.
Variant type: Duplication.
Coding change: c.6553-21_6553-2dup on transcript NM_001184.4 (MANE Select); 21 bases into the intron before coding-DNA position 6553 through the canonical splice acceptor site of the intron before coding-DNA position 6553, 20 bases duplicated (TTTAACTCTTTTTTATGACA).
Molecular consequence: splice acceptor variant.
Genome position (GRCh38, 1-based): chr3:142,468,070-142,468,089, TGTCATAAAAAAGAGTTAAA duplicated on the plus strand (TTTAACTCTTTTTTATGACA on the coding strand, the reverse complement: ATR is on the minus strand); duplicating any 20 consecutive bases within chr3:142,468,070-142,468,106 gives the same sequence; the c. name uses the placement nearest the transcript's 3' end. VCF-style (leftmost placement, unchanged base first): chr3-142468069-C-CTGTCATAAAAAAGAGTTAAA. GRCh37 (hg19) VCF-style: chr3-142186911-C-CTGTCATAAAAAAGAGTTAAA.
Other names: c.6361-21_6361-2dup (NM_001354579.2).
Identifiers: ClinVar variation 2071623 (VCV002071623.4), dbSNP rs767169873, ClinGen allele CA1406991037.

ClinVar aggregate classification (germline): Uncertain significance (1 of 4 stars; one submission).

Submission:

Labcorp Genetics (formerly Invitae), Labcorp
Classification: Uncertain significance. Last evaluated: 2022-06-25. Review status: criteria provided, single submitter. Criteria: Invitae Variant Classification Sherloc (09022015). Collection method: clinical testing. Allele origin: germline.
Comment: This variant has not been reported in the literature in individuals affected with ATR-related conditions. This variant is not present in population databases (gnomAD no frequency). This sequence change falls in intron 38 of the ATR gene. It does not directly change the encoded amino acid sequence of the ATR protein. Experimental studies and prediction algorithms are not available or were not evaluated, and the effect of this variant on mRNA splicing is currently unknown. In summary, the available evidence is currently insufficient to determine the role of this variant in disease. Therefore, it has been classified as a Variant of Uncertain Significance.